The following is an entry in ClinVar:

ClinVar aggregate classification (germline): Likely pathogenic (1 of 4 stars; one submission).

Conditions:
3-methylcrotonyl-CoA carboxylase 1 deficiency (MCC1D). Also called: MCC 1 deficiency; 3 Alpha methylcrotonylglycinuria 1; MCCD TYPE 1; METHYLCROTONYLGLYCINURIA TYPE I. Identifiers: Orphanet 6, MedGen CN028786, MONDO:0008861, OMIM 210200.

Submissions (2):

Labcorp Genetics (formerly Invitae), Labcorp
Classification: Likely pathogenic for 3-methylcrotonyl-CoA carboxylase 1 deficiency. Last evaluated: 2022-07-23. Review status: criteria provided, single submitter. Criteria: Invitae Variant Classification Sherloc (09022015). Collection method: clinical testing. Allele origin: germline.
Comment: This sequence change affects a donor splice site in intron 15 of the MCCC1 gene. It is expected to disrupt RNA splicing. Variants that disrupt the donor or acceptor splice site typically lead to a loss of protein function (PMID: 16199547), and loss-of-function variants in MCCC1 are known to be pathogenic (PMID: 11181649, 15359379, 22642865). This variant is not present in population databases (gnomAD no frequency). This variant has not been reported in the literature in individuals affected with MCCC1-related conditions. Algorithms developed to predict the effect of sequence changes on RNA splicing suggest that this variant may disrupt the consensus splice site. In summary, the currently available evidence indicates that the variant is pathogenic, but additional data are needed to prove that conclusively. Therefore, this variant has been classified as Likely Pathogenic.

Dr. Peter K. Rogan Lab, Western University
No classification provided (evidence only). Condition: Ovarian serous cystadenocarcinoma. Review status: no classification provided. Collection method: in vitro. Allele origin: not applicable. Functional consequence: retained intron. Not counted in ClinVar's aggregate classification.

Literature cited by the submitters: PubMed 16199547 (cited by Labcorp Genetics (formerly Invitae), Labcorp); PubMed 11181649 (cited by Labcorp Genetics (formerly Invitae), Labcorp); PubMed 15359379 (cited by Labcorp Genetics (formerly Invitae), Labcorp); PubMed 22642865 (cited by Labcorp Genetics (formerly Invitae), Labcorp).

NM_020166.5(MCCC1):c.1731+1G>A

Gene: MCCC1 (methylcrotonyl-CoA carboxylase subunit 1; minus strand). Cytogenetic location: 3q27.1.
Variant type: single nucleotide variant.
Coding change: c.1731+1G>A on transcript NM_020166.5 (MANE Select); the canonical splice donor site of the intron after coding-DNA position 1731, G replaced by A.
Molecular consequence: splice donor variant.
Genome position (GRCh38, 1-based): chr3:183,025,754, C>T on the plus strand (G>A on the coding strand, the complement: MCCC1 is on the minus strand). VCF-style: chr3-183025754-C-T. GRCh37 (hg19) VCF-style: chr3-182743542-C-T.
Other names: c.1404+1G>A (NM_001363880.1); c.1380+1G>A (NM_001293273.2).
Identifiers: ClinVar variation 2019034 (VCV002019034.5), dbSNP rs2108446715, ClinGen allele CA355317419.
Genomic context (GRCh38, chr3:183,025,754, plus strand): 5'-ATTCAGTATAAAAGCGGTCAGATTCAGCTCTGCACTGTAGAACAAAACCAGTAAGGCTTA[C>T]CTGCATGCTATAAGACCCATCATGGTTATACGTTACAGCTATGGCTACATCTTTATGGAA-3'